The following is an entry in ClinVar:

NM_004168.4(SDHA):c.1945_1946del (p.Leu649fs)

Gene: SDHA (succinate dehydrogenase complex flavoprotein subunit A; plus strand). Cytogenetic location: 5p15.33.
Variant type: Deletion.
Coding change: c.1945_1946del on transcript NM_004168.4 (MANE Select); coding-DNA positions 1945 to 1946, 2 bases deleted (TT; older notation c.1945_1946delTT).
Protein change: p.Leu649fs; shifts the reading frame from leucine 649.
Molecular consequence: frameshift variant.
Genome position (GRCh38, 1-based): chr5:256,370-256,371, TT deleted; deleting any 2 consecutive bases within chr5:256,369-256,371 gives the same sequence; the c. name uses the placement nearest the transcript's 3' end. VCF-style (leftmost placement, unchanged base first): chr5-256368-CTT-C. GRCh37 (hg19) VCF-style: chr5-256483-CTT-C.
Other names: c.1945_1946delTT (NM_004168.3, NM_004168.4); c.1801_1802del, p.Leu601fs (NM_001294332.2); c.1702_1703del, p.Leu568fs (NM_001330758.2); short protein forms L568fs, L649fs, L601fs.
Identifiers: ClinVar variation 931329 (VCV000931329.14), dbSNP rs112307877, ClinGen allele CA3173468.
Genomic context (GRCh38, chr5:256,368, plus strand): 5'-ACTTACCACTGACTCTTCTTTTCAAGGTCACTCTGGAATATAGACCCGTGATCGACAAAA[CTT>C]TGAACGAGGCTGACTGTGCCACCGTCCCGCCAGCCATTCGCTCCTACTGATGAGACAAGA-3'

ClinVar aggregate classification (germline): Conflicting classifications of pathogenicity. Review status: criteria provided, conflicting classifications (1 of 4 stars). 10 submissions from 10 submitters: Likely pathogenic (1); Uncertain significance (6). 3 of the submissions do not count toward it. Last evaluated 2026-08-06.

Conditions:
Mitochondrial complex II deficiency, nuclear type 1. Also called: SUCCINATE CoQ REDUCTASE DEFICIENCY. Identifiers: Orphanet 3208, MedGen C5700310, MONDO:0100294, OMIM 252011.
Pheochromocytoma/paraganglioma syndrome 5. Also called: Paragangliomas 5; SDHA-Related Hereditary Paraganglioma-Pheochromocytoma Syndrome. Identifiers: Orphanet 29072, MedGen C3279992, MONDO:0013602, OMIM 614165.
Neurodegeneration with ataxia and late-onset optic atrophy. Identifiers: MedGen C5543254, MONDO:0031006, OMIM 619259.
Dilated cardiomyopathy 1GG (CMD1GG). Identifiers: Orphanet 154, MedGen C3150898, MONDO:0013339, OMIM 613642.
Hereditary pheochromocytoma and paraganglioma. Also called: Hereditary Paraganglioma-Pheochromocytoma Syndromes; Hereditary pheochromocytoma-paraganglioma; Hereditary paragangliomas and pheochromocytomas. Identifiers: Orphanet 29072, MedGen C4274332, MONDO:0017366.
Inherited phaeochromocytoma and paraganglioma excluding NF1.
Leigh syndrome (NULS). Also called: Leigh Disease; Subacute necrotizing encephalopathy; Necrotizing encephalopathy infantile subacute of Leigh; LEIGH SYNDROME, NUCLEAR; Leigh's necrotizing encephalopathy; Leigh's disease. Identifiers: Orphanet 506, MedGen C2931891, MONDO:0009723, OMIM 256000.

Submissions (10):

NHS Central & South Genomic Laboratory Hub
Classification: Uncertain significance for Inherited phaeochromocytoma and paraganglioma excluding NF1. Last evaluated: 2026-08-06. Review status: criteria provided, single submitter. Criteria: ACMG Guidelines, 2015. Collection method: clinical testing. Allele origin: germline. Affected: yes.

Hema, HEMA – Genetic and Molecular Diagnostic Laboratory
Classification: Uncertain significance for Hereditary pheochromocytoma and paraganglioma. Last evaluated: 2025-06-30. Review status: criteria provided, single submitter. Criteria: HEMA Variant Classification Assertion Criteria. Collection method: clinical testing. Allele origin: germline.
Comment: It is a deletion-insertion in which three thymidine nucleotides are replaced by a cytosine, resulting in a frameshift in the reading frame of SDHA. PVS1_Moderate: It is a frameshift variant in the last exon of SDHA, resulting in the transcript escaping nonsense-mediated decay and leading to a truncated protein. The truncated portion of the SDHA protein is less than 3% of the total length of SDHA. There is no evidence regarding the functional importance of the affected region or pathogenic missense variants in that region or known pathogenic truncations downstream. PM2_Supporting: Absent in the gnomAD v4.1.0 database.

Center for Genomic Medicine, Rigshospitalet, Copenhagen University Hospital
Classification: Uncertain significance. Last evaluated: 2025-03-04. Review status: criteria provided, single submitter. Criteria: ACMG Guidelines, 2015. Collection method: clinical testing. Allele origin: germline.

Department of Pathology and Laboratory Medicine, Sinai Health System
Classification: Uncertain significance for Mitochondrial complex II deficiency, nuclear type 1; Dilated cardiomyopathy 1GG; Pheochromocytoma/paraganglioma syndrome 5; Neurodegeneration with ataxia and late-onset optic atrophy. Last evaluated: 2023-10-02. Review status: criteria provided, single submitter. Criteria: ACMG Guidelines, 2015. Collection method: clinical testing. Allele origin: germline. Affected: no.

Quest Diagnostics Nichols Institute San Juan Capistrano
Classification: Uncertain significance. Last evaluated: 2022-04-19. Review status: criteria provided, single submitter. Criteria: Quest Diagnostics criteria. Collection method: clinical testing. Allele origin: unknown.

Centre for Mendelian Genomics, University Medical Centre Ljubljana
Classification: Uncertain significance for Leigh syndrome. Last evaluated: 2020-03-14. Review status: criteria provided, single submitter. Criteria: ACMG Guidelines, 2015. Collection method: clinical testing. Allele origin: unknown. Affected: yes.
Comment: This variant was classified as: Uncertain significance. The available evidence on this variant's pathogenicity is insufficient or conflicting. The following ACMG criteria were applied in classifying this variant: PM2.

Neuberg Centre For Genomic Medicine, NCGM
Classification: Likely pathogenic for Mitochondrial complex II deficiency, nuclear type 1. Review status: criteria provided, single submitter. Criteria: ACMG Guidelines, 2015. Collection method: clinical testing. Allele origin: germline. Inheritance: Autosomal dominant inheritance. Affected: yes.
Comment: The observed frameshift c.1945_1946delp.Leu649GlufsTer4 variant in SDHA gene has been reported previously in compound heterozygous state in individuals affected with SDHA-associated disorder Wang J, et al., 2019; Ürey BC, et al., 2023. The p.Leu649GlufsTer4 variant is present with allele frequency of 0.001% in gnomAD Exomes. This variant has been reported to the ClinVar database as Likely Benign / Uncertain Significance. This variant causes a frameshift starting with codon Leucine 649, changes this amino acid to Glutamic Acid residue, and creates a premature Stop codon at position 4 of the new reading frame, denoted p.Leu649GlufsTer4. This variant is predicted to cause loss of normal protein function through protein truncation. Loss of function variants have been previously reported to be disease causing. For these reasons, this variant has been classified as Likely Pathogenic. In absence of another reportable variant in SDHA gene, the molecular diagnosis is not confirmed.

Diagnostic Laboratory, Department of Genetics, University Medical Center Groningen
Classification: Likely benign. Review status: no assertion criteria provided. Collection method: clinical testing. Allele origin: germline. Affected: yes. Study: VKGL Data-share Consensus. Not counted in ClinVar's aggregate classification.

Genome Diagnostics Laboratory, University Medical Center Utrecht
Classification: Likely benign. Review status: no assertion criteria provided. Collection method: clinical testing. Allele origin: germline. Affected: yes. Study: VKGL Data-share Consensus. Not counted in ClinVar's aggregate classification.

Laboratory of Diagnostic Genome Analysis, Leiden University Medical Center (LUMC)
Classification: Likely benign. Review status: no assertion criteria provided. Collection method: clinical testing. Allele origin: germline. Affected: yes. Study: VKGL Data-share Consensus. Not counted in ClinVar's aggregate classification.

Literature cited by the submitters: PubMed 30276801 (cited by Quest Diagnostics Nichols Institute San Juan Capistrano); PubMed 26556299 (cited by Quest Diagnostics Nichols Institute San Juan Capistrano); PubMed 31527833 (cited by Quest Diagnostics Nichols Institute San Juan Capistrano); PubMed 31512412 (cited by Quest Diagnostics Nichols Institute San Juan Capistrano).